The following is an entry in ClinVar:

NM_001371928.1(AHDC1):c.1958A>T (p.Gln653Leu)

Gene: AHDC1 (AT-hook DNA binding motif containing 1; minus strand). Cytogenetic location: 1p36.11.
Variant type: single nucleotide variant.
Coding change: c.1958A>T on transcript NM_001371928.1 (MANE Select); coding-DNA position 1958, A replaced by T.
Protein change: p.Gln653Leu; replaces glutamine 653 with leucine.
Molecular consequence: missense variant.
Genome position (GRCh38, 1-based): chr1:27,550,158, T>A on the plus strand (A>T on the coding strand, the complement: AHDC1 is on the minus strand). VCF-style: chr1-27550158-T-A. GRCh37 (hg19) VCF-style: chr1-27876669-T-A.
Other names: c.1958A>T, p.Gln653Leu (NM_001029882.3); short protein forms Q653L.
Identifiers: ClinVar variation 5018350 (VCV005018350.1).

ClinVar aggregate classification (germline): Uncertain significance (1 of 4 stars; one submission).

Submission:

GeneDx
Classification: Uncertain significance. Last evaluated: 2026-04-08. Review status: criteria provided, single submitter. Criteria: GeneDx Variant Classification Process June 2021. Collection method: clinical testing. Allele origin: germline.
Comment: Not observed at significant frequency in large population cohorts (gnomAD); In silico analysis supports that this missense variant has a deleterious effect on protein structure/function; Has not been previously published as pathogenic or benign to our knowledge